The following is an entry in ClinVar:

ClinVar aggregate classification (germline): Likely benign. Review status: criteria provided, single submitter (1 of 4 stars). 2 submissions from 2 submitters: Likely benign (1). 1 of the submissions does not count toward it. Last evaluated 2023-12-24.

Conditions:
LMBRD1-related disorder. Also called: LMBRD1-related condition.
Methylmalonic aciduria and homocystinuria type cblF. Also called: METHYLMALONIC ACIDEMIA AND HOMOCYSTINURIA, cblF TYPE; METHYLMALONIC ACIDURIA DUE TO VITAMIN B12-RELEASE DEFECT; VITAMIN B12 LYSOSOMAL RELEASE DEFECT; VITAMIN B12 STORAGE DISEASE; COBALAMIN F DISEASE; COBALAMIN, DEFECT IN LYSOSOMAL RELEASE OF. Identifiers: Orphanet 79284, MedGen C1848578, MONDO:0010183, OMIM 277380.

Allele frequency attached by ClinVar (database versions not stated): gnomAD exomes 0.00001; TOPMed below 0.00001; gnomAD 0.00001.
gnomAD v4.1: 10 of 1,600,828 alleles (0.00062%); highest among the groups gnomAD compares: Non-Finnish European, 0.00086%; no homozygotes.

Submissions (2):

Labcorp Genetics (formerly Invitae), Labcorp
Classification: Likely benign for Methylmalonic aciduria and homocystinuria type cblF. Last evaluated: 2023-12-24. Review status: criteria provided, single submitter. Criteria: Invitae Variant Classification Sherloc (09022015). Collection method: clinical testing. Allele origin: germline.

PreventionGenetics, part of Exact Sciences
Classification: Likely benign for LMBRD1-related condition. Last evaluated: 2022-10-10. Review status: no assertion criteria provided. Collection method: clinical testing. Allele origin: germline. Not counted in ClinVar's aggregate classification.
Comment: This variant is classified as likely benign based on ACMG/AMP sequence variant interpretation guidelines (Richards et al. 2015 PMID: 25741868, with internal and published modifications).

NM_018368.4(LMBRD1):c.247-4C>T

Gene: LMBRD1 (LMBR1 domain containing 1; minus strand). Cytogenetic location: 6q13.
Variant type: single nucleotide variant.
Coding change: c.247-4C>T on transcript NM_018368.4 (MANE Select); 4 bases into the intron before coding-DNA position 247, C replaced by T.
Molecular consequence: intron variant.
Genome position (GRCh38, 1-based): chr6:69,780,558, G>A on the plus strand (C>T on the coding strand, the complement: LMBRD1 is on the minus strand). VCF-style: chr6-69780558-G-A. GRCh37 (hg19) VCF-style: chr6-70490450-G-A.
Other names: c.28-4C>T (NM_001367272.1, NM_001367271.1, NM_001363722.2).
Identifiers: ClinVar variation 737676 (VCV000737676.8), dbSNP rs1321930777, ClinGen allele CA567965430.
Genomic context (GRCh38, chr6:69,780,558, plus strand): 5'-GTAACCGTATAATACAGTGTCCTCAATCTGTCTGCTGACATTAGCATTAGCCCAGTCCTA[G>A]GATAAAAGGAAACAATAGAAATATTAATGAAACACCCATTTGCCTAACAATTAAAAGTCA-3'